The following is an entry in ClinVar:

NM_001379291.1(BRD4):c.3694C>T (p.Arg1232Trp)

Gene: BRD4 (bromodomain containing 4; minus strand). Cytogenetic location: 19p13.12.
Variant type: single nucleotide variant.
Coding change: c.3694C>T on transcript NM_001379291.1 (MANE Select); coding-DNA position 3694, C replaced by T.
Protein change: p.Arg1232Trp; replaces arginine 1232 with tryptophan.
Molecular consequence: missense variant.
Genome position (GRCh38, 1-based): chr19:15,239,147, G>A on the plus strand (C>T on the coding strand, the complement: BRD4 is on the minus strand). VCF-style: chr19-15239147-G-A. GRCh37 (hg19) VCF-style: chr19-15349958-G-A.
Other names: c.3694C>T, p.Arg1232Trp (NM_058243.3); short protein forms R1232W.
Identifiers: ClinVar variation 3392854 (VCV003392854.1).

ClinVar aggregate classification (germline): Uncertain significance (1 of 4 stars; one submission).

gnomAD v4.1: 2 of 1,612,090 alleles (0.00012%); highest among the groups gnomAD compares: Non-Finnish European, 0.00017%; no homozygotes.

Submission:

GeneDx
Classification: Uncertain significance. Last evaluated: 2024-06-24. Review status: criteria provided, single submitter. Criteria: GeneDx Variant Classification Process June 2021. Collection method: clinical testing. Allele origin: germline. Affected: yes.
Comment: Not observed at significant frequency in large population cohorts (gnomAD); In silico analysis supports that this missense variant has a deleterious effect on protein structure/function; Has not been previously published as pathogenic or benign to our knowledge